The following is an entry in ClinVar:

ClinVar aggregate classification (germline): Pathogenic (1 of 4 stars; one submission).

Submission:

CeGaT Center for Human Genetics Tuebingen
Classification: Pathogenic. Last evaluated: 2024-11-01. Review status: criteria provided, single submitter. Criteria: CeGaT Center For Human Genetics Tuebingen Variant Classification Criteria Version 2. Collection method: clinical testing. Allele origin: germline. Affected: yes. Observed: 1 variant allele.
Comment: CCM2: PVS1, PM2

NM_031443.4(CCM2):c.472+2_472+7del

Gene: CCM2 (CCM2 scaffold protein; plus strand). Cytogenetic location: 7p13.
Variant type: Deletion.
Coding change: c.472+2_472+7del on transcript NM_031443.4 (MANE Select); the canonical splice donor site of the intron after coding-DNA position 472 through 7 bases into the intron after coding-DNA position 472, 6 bases deleted (TACAGG; older notation c.472+2_472+7delTACAGG).
Molecular consequence: splice donor variant.
Genome position (GRCh38, 1-based): chr7:45,064,648-45,064,653, TACAGG deleted; deleting any 6 consecutive bases within chr7:45,064,643-45,064,653 gives the same sequence; the c. name uses the placement nearest the transcript's 3' end. VCF-style (leftmost placement, unchanged base first): chr7-45064642-GACAGGT-G. GRCh37 (hg19) VCF-style: chr7-45104241-GACAGGT-G.
Other names: c.472+2_472+7del (NM_001363458.2, NM_001167935.2); c.298+2_298+7del (NM_001363459.2, NM_001167934.2); c.535+2_535+7del (NM_001029835.2).
Identifiers: ClinVar variation 3389485 (VCV003389485.14).
Genomic context (GRCh38, chr7:45,064,642, plus strand): 5'-CCATGACATCGCCGCCGTCTCCTATGTTCGGGATGACGCTGCACACCTGGTGGTCCTGAA[GACAGGT>G]ACAGGAGGTCAGGGGTCAGGAGGGTCCTTGTCCTAAGGAGTACATGTGTGAATTTTATGA-3'